The following is an entry in ClinVar:

NM_015340.4(LARS2):c.890C>G (p.Thr297Ser)

Gene: LARS2 (leucyl-tRNA synthetase 2, mitochondrial; plus strand). Cytogenetic location: 3p21.31.
Variant type: single nucleotide variant.
Coding change: c.890C>G on transcript NM_015340.4 (MANE Select); coding-DNA position 890, C replaced by G.
Protein change: p.Thr297Ser; replaces threonine 297 with serine.
Molecular consequence: missense variant.
Genome position (GRCh38, 1-based): chr3:45,476,499, C>G. VCF-style: chr3-45476499-C-G. GRCh37 (hg19) VCF-style: chr3-45517991-C-G.
Other names: c.890C>G (NM_015340.3); c.890C>G, p.Thr297Ser (NM_001368263.1); short protein forms T297S.
Identifiers: ClinVar variation 2176428 (VCV002176428.4), dbSNP rs1314350298, ClinGen allele CA352423596.

ClinVar aggregate classification (germline): Conflicting classifications of pathogenicity. Review status: criteria provided, conflicting classifications (1 of 4 stars). 3 submissions from 3 submitters: Uncertain significance (2); Likely benign (1). Last evaluated 2026-04-07.

Conditions:
Inborn genetic diseases. Identifiers: MedGen C0950123, MeSH D030342.

Allele frequency attached by ClinVar (database versions not stated): gnomAD exomes 0.00003; TOPMed 0.00003; gnomAD 0.00002.

Submissions (3):

GeneDx
Classification: Uncertain significance. Last evaluated: 2026-04-07. Review status: criteria provided, single submitter. Criteria: GeneDx Variant Classification Process June 2021. Collection method: clinical testing. Allele origin: germline.
Comment: Not observed at significant frequency in large population cohorts (gnomAD); In silico analysis suggests that this missense variant does not alter protein structure/function; Has not been previously published as pathogenic or benign to our knowledge

Ambry Genetics
Classification: Likely benign for Inborn genetic diseases. Last evaluated: 2025-08-26. Review status: criteria provided, single submitter. Criteria: Ambry Variant Classification Scheme 2023. Collection method: clinical testing. Allele origin: germline.

Labcorp Genetics (formerly Invitae), Labcorp
Classification: Uncertain significance. Last evaluated: 2022-05-18. Review status: criteria provided, single submitter. Criteria: Invitae Variant Classification Sherloc (09022015). Collection method: clinical testing. Allele origin: germline.
Comment: This sequence change replaces threonine, which is neutral and polar, with serine, which is neutral and polar, at codon 297 of the LARS2 protein (p.Thr297Ser). This variant is present in population databases (no rsID available, gnomAD 0.004%). This variant has not been reported in the literature in individuals affected with LARS2-related conditions. Algorithms developed to predict the effect of missense changes on protein structure and function output the following: SIFT: "Tolerated"; PolyPhen-2: "Benign"; Align-GVGD: "Class C0". The serine amino acid residue is found in multiple mammalian species, which suggests that this missense change does not adversely affect protein function. In summary, the available evidence is currently insufficient to determine the role of this variant in disease. Therefore, it has been classified as a Variant of Uncertain Significance.